The following is an entry in ClinVar:

NM_003242.6(TGFBR2):c.913C>T (p.Leu305Phe)

Gene: TGFBR2 (transforming growth factor beta receptor 2; plus strand). Cytogenetic location: 3p24.1.
Variant type: single nucleotide variant.
Coding change: c.913C>T on transcript NM_003242.6 (MANE Select); coding-DNA position 913, C replaced by T.
Protein change: p.Leu305Phe; replaces leucine 305 with phenylalanine.
Molecular consequence: missense variant.
Genome position (GRCh38, 1-based): chr3:30,672,096, C>T. VCF-style: chr3-30672096-C-T. GRCh37 (hg19) VCF-style: chr3-30713588-C-T.
Other names: c.988C>T, p.Leu330Phe (NM_001024847.3); c.1096C>T, p.Leu366Phe (NM_001407126.1); c.553C>T, p.Leu185Phe (NM_001407138.1); c.1021C>T, p.Leu341Phe (NM_001407127.1); c.940C>T, p.Leu314Phe (NM_001407128.1); c.916C>T, p.Leu306Phe (NM_001407129.1); c.913C>T, p.Leu305Phe (NM_001407130.1); c.808C>T, p.Leu270Phe (NM_001407132.1, NM_001407133.1, NM_001407134.1 and 2 more transcripts); and 1 more; short protein forms L305F, L330F, L210F, L270F, L306F, L366F, L185F, L314F.
Identifiers: ClinVar variation 449834 (VCV000449834.15), dbSNP rs1553630171, ClinGen allele CA351808156.

ClinVar aggregate classification (germline): Pathogenic/Likely pathogenic. Review status: criteria provided, multiple submitters, no conflicts (2 of 4 stars). 4 submissions from 4 submitters: Pathogenic (2); Likely pathogenic (1). 1 of the submissions does not count toward it. Last evaluated 2022-08-23.

Conditions:
Loeys-Dietz syndrome 2 (LDS2). Also called: AORTIC ANEURYSM, FAMILIAL THORACIC 3; MARFAN SYNDROME, TYPE II; Marfan syndrome, type 2 (formerly); Marfan Syndrome type 2; Marfan like connective tissue disorder; MFS 2. Identifiers: Orphanet 284973, Orphanet 558, MedGen C2674574, MONDO:0012427, OMIM 610168.
Malignant tumor of esophagus. Also called: Esophageal cancer; Esophageal cancer, somatic. Identifiers: Orphanet 99977, MedGen C0546837, MONDO:0007576, OMIM 133239.
Colorectal cancer, hereditary nonpolyposis, type 6. Also called: Colon cancer, hereditary nonpolyposis, type 6; Colon cancer, hereditary nonpolyposis, type 6, somatic. Identifiers: Orphanet 144, MedGen C1860896, MONDO:0013695, OMIM 614331.
Familial thoracic aortic aneurysm and aortic dissection (TAAD). Also called: Thoracic aortic aneurysms and dissections. Identifiers: Orphanet 91387, MedGen C4707243, MONDO:0019625.

Submissions (4):

GeneDx
Classification: Likely pathogenic. Last evaluated: 2022-08-23. Review status: criteria provided, single submitter. Criteria: GeneDx Variant Classification Process June 2021. Collection method: clinical testing. Allele origin: germline. Affected: yes.
Comment: Not observed at significant frequency in large population cohorts (gnomAD); In silico analysis supports that this missense variant has a deleterious effect on protein structure/function; This variant is associated with the following publications: (PMID: 29339704)

Labcorp Genetics (formerly Invitae), Labcorp
Classification: Pathogenic for Familial thoracic aortic aneurysm and aortic dissection. Last evaluated: 2021-11-13. Review status: criteria provided, single submitter. Criteria: Invitae Variant Classification Sherloc (09022015). Collection method: clinical testing. Allele origin: germline.
Comment: ClinVar contains an entry for this variant (Variation ID: 449834). This missense change has been observed in individual(s) with Loeys-Dietz syndrome (PMID: 29339704). In at least one individual the variant was observed to be de novo. This variant is not present in population databases (gnomAD no frequency). This sequence change replaces leucine, which is neutral and non-polar, with phenylalanine, which is neutral and non-polar, at codon 305 of the TGFBR2 protein (p.Leu305Phe). Advanced modeling of protein sequence and biophysical properties (such as structural, functional, and spatial information, amino acid conservation, physicochemical variation, residue mobility, and thermodynamic stability) performed at Invitae indicates that this missense variant is expected to disrupt TGFBR2 protein function. For these reasons, this variant has been classified as Pathogenic. This variant disrupts the p.Leu305 amino acid residue in TGFBR2. Other variant(s) that disrupt this residue have been determined to be pathogenic (Invitae). This suggests that this residue is clinically significant, and that variants that disrupt this residue are likely to be disease-causing.

Ambry Genetics
Classification: Pathogenic for Familial thoracic aortic aneurysm and aortic dissection. Last evaluated: 2021-04-13. Review status: criteria provided, single submitter. Criteria: Ambry Variant Classification Scheme 2023. Collection method: clinical testing. Allele origin: germline.
Comment: The p.L305F pathogenic mutation (also known as c.913C>T), located in coding exon 4 of the TGFBR2 gene, results from a C to T substitution at nucleotide position 913. The leucine at codon 305 is replaced by phenylalanine, an amino acid with highly similar properties. This variant has been detected in two de novo cases with findings consistent with Loeys-Dietz syndrome (Ambry internal data; Kasar T et al. Anatol J Cardiol, 2018 Jan;19:74-77). Based on internal structural analysis, this variant is anticipated to result in a significant decrease in structural stability and ligand binding (Tebben AJ et al. Acta Crystallogr D Struct Biol, 2016 05;72:658-74). This variant was not reported in population-based cohorts in the Genome Aggregation Database (gnomAD). Based on the supporting evidence, this alteration is interpreted as a disease-causing mutation.

Fulgent Genetics
Classification: Uncertain significance for Malignant tumor of esophagus; Loeys-Dietz syndrome 2; Colorectal cancer, hereditary nonpolyposis, type 6. Last evaluated: 2018-10-31. Review status: flagged submission. Criteria: ACMG Guidelines, 2015. Collection method: clinical testing. Allele origin: unknown. Not counted in ClinVar's aggregate classification.
ClinVar note: Reason: Older and outlier claim with insufficient supporting evidence

Literature cited by the submitters: PubMed 29339704 (cited by Labcorp Genetics (formerly Invitae), Labcorp and Ambry Genetics); PubMed 27139629 (cited by Ambry Genetics).